The following is an entry in ClinVar:

NM_198428.3(BBS9):c.1937T>C (p.Phe646Ser)

Gene: BBS9 (Bardet-Biedl syndrome 9; plus strand). Cytogenetic location: 7p14.3.
Variant type: single nucleotide variant.
Coding change: c.1937T>C on transcript NM_198428.3 (MANE Select); coding-DNA position 1937, T replaced by C.
Protein change: p.Phe646Ser; replaces phenylalanine 646 with serine.
Molecular consequence: missense variant. On other transcripts: non-coding transcript variant (3).
Genome position (GRCh38, 1-based): chr7:33,383,813, T>C. VCF-style: chr7-33383813-T-C. GRCh37 (hg19) VCF-style: chr7-33423425-T-C.
Other names: c.1832T>C, p.Phe611Ser (NM_001033604.2); c.1922T>C, p.Phe641Ser (NM_001033605.2); c.1937T>C, p.Phe646Ser (NM_001348036.1, NM_001348041.4, NM_001348043.3 and 3 more transcripts); c.1571T>C, p.Phe524Ser (NM_001348037.3, NM_001348045.3, NM_001348046.3); c.1664T>C, p.Phe555Ser (NM_001348038.3); c.1559T>C, p.Phe520Ser (NM_001348039.3); c.1817T>C, p.Phe606Ser (NM_001348040.3, NM_014451.4); c.1802T>C, p.Phe601Ser (NM_001348042.3); and 1 more; short protein forms F489S, F520S, F524S, F555S, F601S, F606S, F611S, F641S.
Identifiers: ClinVar variation 1715657 (VCV001715657.5), dbSNP rs2536328445, ClinGen allele CA367253436.

ClinVar aggregate classification (germline): Uncertain significance (1 of 4 stars; one submission).

Conditions:
Bardet-Biedl syndrome (BBS). Identifiers: Orphanet 110, MedGen C0752166, MONDO:0015229.

Submission:

Labcorp Genetics (formerly Invitae), Labcorp
Classification: Uncertain significance for Bardet-Biedl syndrome. Last evaluated: 2022-07-15. Review status: criteria provided, single submitter. Criteria: Invitae Variant Classification Sherloc (09022015). Collection method: clinical testing. Allele origin: germline.
Comment: This sequence change replaces phenylalanine, which is neutral and non-polar, with serine, which is neutral and polar, at codon 646 of the BBS9 protein (p.Phe646Ser). This variant is not present in population databases (gnomAD no frequency). This variant has not been reported in the literature in individuals affected with BBS9-related conditions. Algorithms developed to predict the effect of missense changes on protein structure and function are either unavailable or do not agree on the potential impact of this missense change (SIFT: "Deleterious"; PolyPhen-2: "Probably Damaging"; Align-GVGD: "Class C0"). In summary, the available evidence is currently insufficient to determine the role of this variant in disease. Therefore, it has been classified as a Variant of Uncertain Significance.